The following is an entry in ClinVar:

NM_001231.5(CASQ1):c.592G>A (p.Glu198Lys)

Gene: CASQ1 (calsequestrin 1; plus strand). Cytogenetic location: 1q23.2.
Variant type: single nucleotide variant.
Coding change: c.592G>A on transcript NM_001231.5 (MANE Select); coding-DNA position 592, G replaced by A.
Protein change: p.Glu198Lys; replaces glutamic acid 198 with lysine.
Molecular consequence: missense variant.
Genome position (GRCh38, 1-based): chr1:160,195,475, G>A. VCF-style: chr1-160195475-G-A. GRCh37 (hg19) VCF-style: chr1-160165265-G-A.
Other names: short protein forms E198K.
Identifiers: ClinVar variation 1750554 (VCV001750554.9), dbSNP rs200685636, ClinGen allele CA1196260.
Genomic context (GRCh38, chr1:160,195,475, plus strand): 5'-CAGACCCTGGTTTCCCCAGAGACTGACTCTGCATTCCACCCCCCAGATTACAAAGCCTTC[G>A]AGGATGCAGCTGAGGAGTTTCATCCCTACATCCCCTTCTTCGCCACCTTCGACAGCAAGG-3'
Protein context (NP_001222.3, residues 188-208): SKDSEHYKAF[Glu198Lys]DAAEEFHPYI

ClinVar aggregate classification (germline): Uncertain significance. Review status: criteria provided, multiple submitters, no conflicts (2 of 4 stars). 3 submissions from 3 submitters: Uncertain significance (3). Last evaluated 2025-12-20.

Conditions:
Inborn genetic diseases. Identifiers: MedGen C0950123, MeSH D030342.
Myopathy due to calsequestrin and SERCA1 protein overload. Also called: Myopathy, vacuolar, with casq1 aggregates. Identifiers: Orphanet 88635, MedGen C4015624, MONDO:0014546, OMIM 616231.

Allele frequency attached by ClinVar (database versions not stated): gnomAD 0.00001; TOPMed 0.00002; gnomAD exomes 0.00006; ESP Exome Variant Server 0.00008; ExAC 0.00009.

Submissions (3):

Labcorp Genetics (formerly Invitae), Labcorp
Classification: Uncertain significance. Last evaluated: 2025-12-20. Review status: criteria provided, single submitter. Criteria: Invitae Variant Classification Sherloc (09022015). Collection method: clinical testing. Allele origin: germline.
Comment: This sequence change replaces glutamic acid, which is acidic and polar, with lysine, which is basic and polar, at codon 198 of the CASQ1 protein (p.Glu198Lys). This variant is present in population databases (rs200685636, gnomAD 0.05%), and has an allele count higher than expected for a pathogenic variant. This variant has not been reported in the literature in individuals affected with CASQ1-related conditions. ClinVar contains an entry for this variant (Variation ID: 1750554). Invitae Evidence Modeling of protein sequence and biophysical properties (such as structural, functional, and spatial information, amino acid conservation, physicochemical variation, residue mobility, and thermodynamic stability) indicates that this missense variant is not expected to disrupt CASQ1 protein function with a negative predictive value of 80%. In summary, the available evidence is currently insufficient to determine the role of this variant in disease. Therefore, it has been classified as a Variant of Uncertain Significance.

Revvity Omics, Revvity
Classification: Uncertain significance for Myopathy due to calsequestrin and SERCA1 protein overload. Last evaluated: 2023-02-15. Review status: criteria provided, single submitter. Criteria: ACMG Guidelines, 2015. Collection method: clinical testing. Allele origin: germline.

Ambry Genetics
Classification: Uncertain significance for Inborn genetic diseases. Last evaluated: 2021-07-22. Review status: criteria provided, single submitter. Criteria: Ambry Variant Classification Scheme 2023. Collection method: clinical testing. Allele origin: germline.
Comment: The p.E198K variant (also known as c.592G>A), located in coding exon 5 of the CASQ1 gene, results from a G to A substitution at nucleotide position 592. The glutamic acid at codon 198 is replaced by lysine, an amino acid with similar properties. This amino acid position is conserved. In addition, this alteration is predicted to be tolerated by in silico analysis. Since supporting evidence is limited at this time, the clinical significance of this alteration remains unclear.